The following is an entry in ClinVar:

NM_003242.6(TGFBR2):c.1155C>G (p.Ile385Met)

Gene: TGFBR2 (transforming growth factor beta receptor 2; plus strand). Cytogenetic location: 3p24.1.
Variant type: single nucleotide variant.
Coding change: c.1155C>G on transcript NM_003242.6 (MANE Select); coding-DNA position 1155, C replaced by G.
Protein change: p.Ile385Met; replaces isoleucine 385 with methionine.
Molecular consequence: missense variant.
Genome position (GRCh38, 1-based): chr3:30,672,338, C>G. VCF-style: chr3-30672338-C-G. GRCh37 (hg19) VCF-style: chr3-30713830-C-G.
Other names: c.1230C>G, p.Ile410Met (NM_001024847.3); c.1338C>G, p.Ile446Met (NM_001407126.1); c.1263C>G, p.Ile421Met (NM_001407127.1); c.1182C>G, p.Ile394Met (NM_001407128.1); c.1158C>G, p.Ile386Met (NM_001407129.1); c.1155C>G, p.Ile385Met (NM_001407130.1); c.1050C>G, p.Ile350Met (NM_001407132.1, NM_001407133.1, NM_001407134.1 and 2 more transcripts); c.870C>G, p.Ile290Met (NM_001407137.1); and 1 more; short protein forms I410M, I385M, I386M, I290M, I350M, I394M, I446M, I265M.
Identifiers: ClinVar variation 1348926 (VCV001348926.9), dbSNP rs1400565122, ClinGen allele CA351808655.
Genomic context (GRCh38, chr3:30,672,338, plus strand): 5'-CACTCCATGTGGGAGGCCCAAGATGCCCATCGTGCACAGGGACCTCAAGAGCTCCAATAT[C>G]CTCGTGAAGAACGACCTAACCTGCTGCCTGTGTGACTTTGGGCTTTCCCTGCGTCTGGAC-3'
Protein context (NP_003233.4, residues 375-395): IVHRDLKSSN[Ile385Met]LVKNDLTCCL

ClinVar aggregate classification (germline): Uncertain significance (1 of 4 stars; one submission).

Conditions:
Familial thoracic aortic aneurysm and aortic dissection (TAAD). Also called: Thoracic aortic aneurysms and dissections. Identifiers: Orphanet 91387, MedGen C4707243, MONDO:0019625.

Allele frequency attached by ClinVar (database versions not stated): gnomAD exomes below 0.00001.
gnomAD v4.1: 1 of 1,613,602 alleles (0.000062%); highest among the groups gnomAD compares: South Asian, 0.0011%; no homozygotes.

Submission:

Labcorp Genetics (formerly Invitae), Labcorp
Classification: Uncertain significance for Familial thoracic aortic aneurysm and aortic dissection. Last evaluated: 2022-07-06. Review status: criteria provided, single submitter. Criteria: Invitae Variant Classification Sherloc (09022015). Collection method: clinical testing. Allele origin: germline.
Comment: In summary, the available evidence is currently insufficient to determine the role of this variant in disease. Therefore, it has been classified as a Variant of Uncertain Significance. This sequence change replaces isoleucine, which is neutral and non-polar, with methionine, which is neutral and non-polar, at codon 385 of the TGFBR2 protein (p.Ile385Met). This variant is present in population databases (no rsID available, gnomAD 0.003%). This variant has not been reported in the literature in individuals affected with TGFBR2-related conditions. ClinVar contains an entry for this variant (Variation ID: 1348926). Advanced modeling of protein sequence and biophysical properties (such as structural, functional, and spatial information, amino acid conservation, physicochemical variation, residue mobility, and thermodynamic stability) performed at Invitae indicates that this missense variant is expected to disrupt TGFBR2 protein function.